The following is an entry in ClinVar:

ClinVar aggregate classification (germline): Pathogenic (1 of 4 stars; one submission).

Conditions:
Mucopolysaccharidosis, MPS-II (MPS2). Also called: Hunter Syndrome; IDURONATE 2-SULFATASE DEFICIENCY; Mucopolysaccharidosis Type II; Mucopolysaccharidosis type 2; Attenuated MPS (subtype; formerly known as mild MPS II); Severe MPS II. Identifiers: Orphanet 580, Orphanet 79388, MedGen C0026705, MONDO:0010674, OMIM 309900.

Submission:

Laboratory of Diagnosis and Therapy of Lysosomal Disorders, University of Padova
Classification: Pathogenic for Mucopolysaccharidosis, MPS-II. Last evaluated: 2024-06-07. Review status: criteria provided, single submitter. Criteria: ACMG Guidelines, 2015. Collection method: literature only. Allele origin: germline. Affected: yes. Observed: 1 variant allele.
Comment: Null variant (PVS1_VeryStrong), Absent from controls (or at low frequency) in gnomAD database (PM2_Moderate), Patient’s phenotype or family history highly specific for the disease (PP4_Strong)

Classification method: ACMG Guidelines [PMID:25741868] with modifications

Literature cited by the submitters: PubMed 30639582.

NM_000202.8(IDS):c.496G>T (p.Glu166Ter)

Genes: IDS (iduronate 2-sulfatase; minus strand), LOC106050102 (IDS recombination region; plus strand). Cytogenetic location: Xq28.
Variant type: single nucleotide variant.
Coding change: c.496G>T on transcript NM_000202.8 (MANE Select); coding-DNA position 496, G replaced by T.
Protein change: p.Glu166Ter; replaces glutamic acid 166 with a stop codon.
Molecular consequence: nonsense. On other transcripts: non-coding transcript variant (1).
Genome position (GRCh38, 1-based): chrX:149,500,960, C>A on the plus strand (G>T on the coding strand, the complement: IDS is on the minus strand). VCF-style: chrX-149500960-C-A. GRCh37 (hg19) VCF-style: chrX-148582491-C-A.
Other names: c.226G>T, p.Glu76Ter (NM_001166550.4); c.496G>T, p.Glu166Ter (NM_006123.5); short protein forms E166*, E76*.
Identifiers: ClinVar variation 3255754 (VCV003255754.2).
Genomic context (GRCh38, chrX:149,500,960, plus strand): 5'-CAAAGGAAAAAGTGGTTCCTCTTCAGAAATGTCCCTTTCACAGCCTTACCTTAGTGTTTT[C>A]ATACTTCTCAGAGGAAGGATGATAAGGTGGAAAAGACCAGCTATACGGAGAATCATCGGT-3'